The following is an entry in ClinVar:

NM_007194.4(CHEK2):c.678T>A (p.Leu226=)

Gene: CHEK2 (checkpoint kinase 2; minus strand). Cytogenetic location: 22q12.1.
Variant type: single nucleotide variant.
Coding change: c.678T>A on transcript NM_007194.4 (MANE Select); coding-DNA position 678, T replaced by A.
Protein change: p.Leu226=; no amino-acid change (leucine 226 retained).
Molecular consequence: synonymous variant. On other transcripts: intron variant (1).
Genome position (GRCh38, 1-based): chr22:28,719,400, A>T on the plus strand (T>A on the coding strand, the complement: CHEK2 is on the minus strand). VCF-style: chr22-28719400-A-T. GRCh37 (hg19) VCF-style: chr22-29115388-A-T.
Other names: c.807T>A, p.Leu269= (NM_001005735.3, NM_001438294.1); c.15T>A, p.Leu5= (NM_001257387.3, NM_001437942.1); c.771T>A, p.Leu257= (NM_001438293.1, NM_001438295.1); c.678T>A, p.Leu226= (NM_145862.3); c.482+5486T>A (NM_001349956.3).
Identifiers: ClinVar variation 4533097 (VCV004533097.1).

ClinVar aggregate classification (germline): Uncertain significance (1 of 4 stars; one submission).

Submission:

Quest Diagnostics Nichols Institute San Juan Capistrano
Classification: Uncertain significance. Last evaluated: 2025-05-02. Review status: criteria provided, single submitter. Criteria: Quest Diagnostics criteria. Collection method: clinical testing. Allele origin: unknown.
Comment: The CHEK2 c.678T>A (p.Leu226=) synonymous variant has not been reported in individuals with CHEK2-related conditions in the published literature. It also has not been reported in large, multi-ethnic general populations (Genome Aggregation Database). Analysis of this variant using software algorithms for the prediction of the effect of nucleotide changes on splicing yielded predictions that this variant does not affect CHEK2 mRNA splicing. Based on the available information, we are unable to determine the clinical significance of this variant.